The following is an entry in ClinVar:

NM_017838.4(NHP2):c.156G>C (p.Lys52Asn)

Gene: NHP2 (NHP2 ribonucleoprotein; minus strand). Cytogenetic location: 5q35.3.
Variant type: single nucleotide variant.
Coding change: c.156G>C on transcript NM_017838.4 (MANE Select); coding-DNA position 156, G replaced by C.
Protein change: p.Lys52Asn; replaces lysine 52 with asparagine.
Molecular consequence: missense variant.
Genome position (GRCh38, 1-based): chr5:178,153,662, C>G on the plus strand (G>C on the coding strand, the complement: NHP2 is on the minus strand). VCF-style: chr5-178153662-C-G. GRCh37 (hg19) VCF-style: chr5-177580663-C-G.
Other names: c.156G>C, p.Lys52Asn (NM_001034833.2, NM_001396110.1); short protein forms K52N.
Identifiers: ClinVar variation 2133823 (VCV002133823.4), dbSNP rs2480691705, ClinGen allele CA362392734.
Genomic context (GRCh38, chr5:178,153,662, plus strand): 5'-CCCGCGCACCCATCCCACCCGCGCACCCATCCCGGCCACGCCGCCGTCCGCCTCACCTTT[C>G]TTGATGCATTTGTAGAGCTTCCGCGTGAGGCGGCGAGAAGCCAGGGGCTGCGCGATGGGG-3'
Protein context (NP_060308.1, residues 42-62): RLTRKLYKCI[Lys52Asn]KAVKQKQIRR

ClinVar aggregate classification (germline): Uncertain significance (1 of 4 stars; one submission).

Conditions:
Dyskeratosis congenita. Identifiers: Orphanet 1775, MedGen C0265965, MONDO:0015780.

Submission:

Labcorp Genetics (formerly Invitae), Labcorp
Classification: Uncertain significance for Dyskeratosis congenita. Last evaluated: 2022-05-04. Review status: criteria provided, single submitter. Criteria: Invitae Variant Classification Sherloc (09022015). Collection method: clinical testing. Allele origin: germline.
Comment: In summary, the available evidence is currently insufficient to determine the role of this variant in disease. Therefore, it has been classified as a Variant of Uncertain Significance. Algorithms developed to predict the effect of missense changes on protein structure and function are either unavailable or do not agree on the potential impact of this missense change (SIFT: "Deleterious"; PolyPhen-2: "Possibly Damaging"; Align-GVGD: "Class C0"). This variant has not been reported in the literature in individuals affected with NHP2-related conditions. This variant is not present in population databases (gnomAD no frequency). This sequence change replaces lysine, which is basic and polar, with asparagine, which is neutral and polar, at codon 52 of the NHP2 protein (p.Lys52Asn).